The following is an entry in ClinVar:

ClinVar aggregate classification (germline): Uncertain significance (1 of 4 stars; one submission).

Conditions:
Emery-Dreifuss muscular dystrophy 4, autosomal dominant (EDMD4). Also called: EMERY-DREIFUSS MUSCULAR DYSTROPHY 4 WITH VARIABLE FEATURES. Identifiers: Orphanet 261, MedGen C2751807, MONDO:0013071, OMIM 612998.
Autosomal recessive ataxia, Beauce type. Also called: Spinocerebellar ataxia, autosomal recessive 8; ATAXIA, RECESSIVE, OF BEAUCE; SYNE1 Deficiency; SYNE1-Related Autosomal Recessive Cerebellar Ataxia. Identifiers: Orphanet 88644, MedGen C1853116, MONDO:0012549, OMIM 610743.

Allele frequency attached by ClinVar (database versions not stated): gnomAD exomes below 0.00001; gnomAD 0.00001; TOPMed 0.00001.
gnomAD v4.1: 2 of 1,613,942 alleles (0.00012%); highest among the groups gnomAD compares: Admixed American, 0.0033%; no homozygotes.

Submission:

Labcorp Genetics (formerly Invitae), Labcorp
Classification: Uncertain significance for Emery-Dreifuss muscular dystrophy 4, autosomal dominant; Autosomal recessive ataxia, Beauce type. Last evaluated: 2022-10-05. Review status: criteria provided, single submitter. Criteria: Invitae Variant Classification Sherloc (09022015). Collection method: clinical testing. Allele origin: germline.
Comment: In summary, the available evidence is currently insufficient to determine the role of this variant in disease. Therefore, it has been classified as a Variant of Uncertain Significance. Algorithms developed to predict the effect of missense changes on protein structure and function (SIFT, PolyPhen-2, Align-GVGD) all suggest that this variant is likely to be tolerated. ClinVar contains an entry for this variant (Variation ID: 1423576). This variant has not been reported in the literature in individuals affected with SYNE1-related conditions. This variant is present in population databases (no rsID available, gnomAD 0.003%). This sequence change replaces lysine, which is basic and polar, with glutamine, which is neutral and polar, at codon 790 of the SYNE1 protein (p.Lys790Gln).

NM_182961.4(SYNE1):c.2347A>C (p.Lys783Gln)

Gene: SYNE1 (spectrin repeat containing nuclear envelope protein 1; minus strand). Cytogenetic location: 6q25.2.
Variant type: single nucleotide variant.
Coding change: c.2347A>C on transcript NM_182961.4 (MANE Select); coding-DNA position 2347, A replaced by C.
Protein change: p.Lys783Gln; replaces lysine 783 with glutamine.
Molecular consequence: missense variant.
Genome position (GRCh38, 1-based): chr6:152,461,644, T>G on the plus strand (A>C on the coding strand, the complement: SYNE1 is on the minus strand). VCF-style: chr6-152461644-T-G. GRCh37 (hg19) VCF-style: chr6-152782779-T-G.
Other names: c.2368A>C, p.Lys790Gln (NM_033071.5); short protein forms K783Q, K790Q.
Identifiers: ClinVar variation 1423576 (VCV001423576.8), dbSNP rs1259951823, ClinGen allele CA366120746.